The following is an entry in ClinVar:

ClinVar aggregate classification (germline): Uncertain significance (1 of 4 stars; one submission).

Allele frequency attached by ClinVar (database versions not stated): gnomAD exomes below 0.00001; ExAC 0.00001.

Submission:

Labcorp Genetics (formerly Invitae), Labcorp
Classification: Uncertain significance. Last evaluated: 2022-05-08. Review status: criteria provided, single submitter. Criteria: Invitae Variant Classification Sherloc (09022015). Collection method: clinical testing. Allele origin: germline.
Comment: In summary, the available evidence is currently insufficient to determine the role of this variant in disease. Therefore, it has been classified as a Variant of Uncertain Significance. This sequence change replaces alanine, which is neutral and non-polar, with threonine, which is neutral and polar, at codon 310 of the TONSL protein (p.Ala310Thr). This variant is not present in population databases (gnomAD no frequency). This variant has not been reported in the literature in individuals affected with TONSL-related conditions. Algorithms developed to predict the effect of missense changes on protein structure and function are either unavailable or do not agree on the potential impact of this missense change (SIFT: "Tolerated"; PolyPhen-2: "Possibly Damaging"; Align-GVGD: "Class C0").

NM_013432.5(TONSL):c.928G>A (p.Ala310Thr)

Gene: TONSL (tonsoku like, DNA repair protein; minus strand). Cytogenetic location: 8q24.3.
Variant type: single nucleotide variant.
Coding change: c.928G>A on transcript NM_013432.5 (MANE Select); coding-DNA position 928, G replaced by A.
Protein change: p.Ala310Thr; replaces alanine 310 with threonine.
Molecular consequence: missense variant.
Genome position (GRCh38, 1-based): chr8:144,441,049, C>T on the plus strand (G>A on the coding strand, the complement: TONSL is on the minus strand). VCF-style: chr8-144441049-C-T. GRCh37 (hg19) VCF-style: chr8-145666432-C-T.
Other names: short protein forms A310T.
Identifiers: ClinVar variation 2079818 (VCV002079818.2), dbSNP rs768055276, ClinGen allele CA4943443.